The following is an entry in ClinVar:

ClinVar aggregate classification (germline): Uncertain significance. Review status: criteria provided, multiple submitters, no conflicts (2 of 4 stars). 5 submissions from 5 submitters: Uncertain significance (5). Last evaluated 2026-01-28.

Conditions:
Familial adenomatous polyposis 3. Also called: NTHL1-associated polyposis; NTHL1 Tumor Syndrome; NTHL1-Related Adenomatous Polyposis and Colorectal Cancer; NTHL1-related attenuated familial adenomatous polyposis. Identifiers: Orphanet 220460, Orphanet 454840, MedGen C4225157, MONDO:0014630, OMIM 616415.
Hereditary cancer-predisposing syndrome. Also called: Tumor predisposition; Hereditary Cancer Syndrome; Hereditary neoplastic syndrome; Neoplastic Syndromes, Hereditary. Identifiers: Orphanet 140162, MedGen C0027672, MeSH D009386, MONDO:0015356.

Allele frequency attached by ClinVar (database versions not stated): gnomAD exomes 0.00001; TOPMed 0.00001; ExAC 0.00002; ESP Exome Variant Server 0.00008.
gnomAD v4.1: 13 of 1,612,214 alleles (0.00081%); highest among the groups gnomAD compares: Admixed American, 0.0033%; no homozygotes.

Submissions (5):

Labcorp Genetics (formerly Invitae), Labcorp
Classification: Uncertain significance. Last evaluated: 2026-01-28. Review status: criteria provided, single submitter. Criteria: Invitae Variant Classification Sherloc (09022015). Collection method: clinical testing. Allele origin: germline.
Comment: This sequence change replaces asparagine, which is neutral and polar, with serine, which is neutral and polar, at codon 279 of the NTHL1 protein (p.Asn279Ser). This variant is present in population databases (rs149287105, gnomAD 0.003%). This variant has not been reported in the literature in individuals affected with NTHL1-related conditions. ClinVar contains an entry for this variant (Variation ID: 822331). An algorithm developed to predict the effect of missense changes on protein structure and function (PolyPhen-2) suggests that this variant is likely to be disruptive. In summary, the available evidence is currently insufficient to determine the role of this variant in disease. Therefore, it has been classified as a Variant of Uncertain Significance.

GeneDx
Classification: Uncertain significance. Last evaluated: 2025-10-01. Review status: criteria provided, single submitter. Criteria: GeneDx Variant Classification Process June 2021. Collection method: clinical testing. Allele origin: germline. Affected: yes.
Comment: Not observed at significant frequency in large population cohorts (gnomAD); In silico analysis supports that this missense variant has a deleterious effect on protein structure/function; Has not been previously published as pathogenic or benign to our knowledge

Ambry Genetics
Classification: Uncertain significance for Hereditary cancer-predisposing syndrome. Last evaluated: 2024-10-14. Review status: criteria provided, single submitter. Criteria: Ambry Variant Classification Scheme 2023. Collection method: clinical testing. Allele origin: germline.
Comment: The p.N279S variant (also known as c.836A>G), located in coding exon 6 of the NTHL1 gene, results from an A to G substitution at nucleotide position 836. The asparagine at codon 279 is replaced by serine, an amino acid with highly similar properties. This amino acid position is highly conserved in available vertebrate species. In addition, the in silico prediction for this alteration is inconclusive. Since supporting evidence is limited at this time, the clinical significance of this alteration remains unclear.

Baylor Genetics
Classification: Uncertain significance for Familial adenomatous polyposis 3. Last evaluated: 2023-05-30. Review status: criteria provided, single submitter. Criteria: ACMG Guidelines, 2015. Collection method: clinical testing. Allele origin: unknown.

Sema4
Classification: Uncertain significance for Hereditary cancer-predisposing syndrome. Last evaluated: 2022-01-03. Review status: criteria provided, single submitter. Criteria: Sema4 Curation Guidelines. Collection method: curation. Allele origin: germline.
Comment: The NTHL1 c.836A>G (p.N279S) variant has not been reported in the literature to our knowledge. It was observed in 1/16066 chromosomes of the African/African American subpopulation, in the large and broad cohorts of the Genome Aggregation Database (PMID: 32461654). This variant has been reported in ClinVar (Variation ID 822331). In silico tools suggest the impact of the variant on protein function is deleterious, though these predictions have not been confirmed by functional studies. The evidence is insufficient to meet ACMG/AMP criteria for classifying the variant as benign or pathogenic. Thus, the clinical significance of this variant is currently uncertain.

NM_002528.7(NTHL1):c.812A>G (p.Asn271Ser)

Gene: NTHL1 (nth like DNA glycosylase 1; minus strand). Cytogenetic location: 16p13.3.
Variant type: single nucleotide variant.
Coding change: c.812A>G on transcript NM_002528.7 (MANE Select); coding-DNA position 812, A replaced by G.
Protein change: p.Asn271Ser; replaces asparagine 271 with serine.
Molecular consequence: missense variant.
Genome position (GRCh38, 1-based): chr16:2,040,027, T>C on the plus strand (A>G on the coding strand, the complement: NTHL1 is on the minus strand). VCF-style: chr16-2040027-T-C. GRCh37 (hg19) VCF-style: chr16-2090028-T-C.
Other names: c.641A>G, p.Asn214Ser (NM_001318193.2); c.482A>G, p.Asn161Ser (NM_001318194.2); short protein forms N161S, N214S, N271S.
Identifiers: ClinVar variation 822331 (VCV000822331.18), dbSNP rs149287105, ClinGen allele CA7828089.